The following is an entry in ClinVar:

NM_000264.5(PTCH1):c.4014_4034del (p.Trp1339_Arg1345del)

Gene: PTCH1 (patched 1; minus strand). Cytogenetic location: 9q22.32.
Variant type: Deletion.
Coding change: c.4014_4034del on transcript NM_000264.5 (MANE Select); coding-DNA positions 4014 to 4034, 21 bases deleted (CTGGGGCCCTCGCGGGGCCCG).
Protein change: p.Trp1339_Arg1345del.
Molecular consequence: inframe deletion. On other transcripts: non-coding transcript variant (1).
Genome position (GRCh38, 1-based): chr9:95,447,222-95,447,242, CGGGCCCCGCGAGGGCCCCAG deleted on the plus strand (CTGGGGCCCTCGCGGGGCCCG on the coding strand, the reverse complement: PTCH1 is on the minus strand); deleting any 21 consecutive bases within chr9:95,447,222-95,447,249 gives the same sequence; the c. name uses the placement nearest the transcript's 3' end. VCF-style (leftmost placement, unchanged base first): chr9-95447221-ACGGGCCCCGCGAGGGCCCCAG-A. GRCh37 (hg19) VCF-style: chr9-98209503-ACGGGCCCCGCGAGGGCCCCAG-A.
Other names: c.4014_4034delCTGGGGCCCTCGCGGGGCCCG (NM_000264.3); c.3816_3836del, p.Trp1273_Arg1279del (NM_001083602.3); c.4011_4031del, p.Trp1338_Arg1344del (NM_001083603.3); c.3561_3581del, p.Trp1188_Arg1194del (NM_001083604.3, NM_001083605.3, NM_001083606.3 and 1 more transcripts); c.3858_3878del, p.Trp1287_Arg1293del (NM_001354918.2); c.4014_4034del (NM_000264.4).
Identifiers: ClinVar variation 219471 (VCV000219471.23), dbSNP rs774819810, ClinGen allele CA348309.
Genomic context (GRCh38, chr9:95,447,221, plus strand): 5'-GCAGTAGCCGGGCACGGAGCTGCCCATGGCAGTGGACGCTGGGTTCCGAGGGTTGTGAGA[ACGGGCCCCGCGAGGGCCCCAG>A]CGGGCCCTATTGCTAGGGCCAGAATGCCCTTCAGTAGAAATTTCAAAAGCGTCTCTGCGC-3'

ClinVar aggregate classification (germline): Conflicting classifications of pathogenicity. Review status: criteria provided, conflicting classifications (1 of 4 stars). 8 submissions from 8 submitters: Uncertain significance (2); Benign (3); Likely benign (3). Last evaluated 2026-06-26.

Conditions:
Holoprosencephaly 7 (HPE7). Identifiers: Orphanet 2162, MedGen C1835820, MONDO:0012562, OMIM 610828.
Basal cell nevus syndrome 1 (BCNS1). Also called: GORLIN-GOLTZ SYNDROME; MULTIPLE BASAL CELL NEVI, ODONTOGENIC KERATOCYSTS, AND SKELETAL ANOMALIES. Identifiers: MedGen CN376810, MONDO:0958174, OMIM 109400.
Basal cell carcinoma, susceptibility to, 1. Also called: BCC1. Identifiers: MedGen C2751544, MONDO:0011556, OMIM 605462.
Hereditary cancer-predisposing syndrome. Also called: Neoplastic Syndromes, Hereditary; Tumor predisposition; Hereditary Cancer Syndrome; Hereditary neoplastic syndrome. Identifiers: Orphanet 140162, MedGen C0027672, MeSH D009386, MONDO:0015356.
Gorlin syndrome. Also called: Nevoid Basal Cell Carcinoma Syndrome; Basal cell nevus syndrome. Identifiers: Orphanet 377, MedGen C0004779, MONDO:0007187.
PTCH1-related disorder. Also called: PTCH1-related disorders; PTCH1-related condition.
Intellectual disability. Also called: Intellectual functioning disability; intellectual disabilities; Intellectual developmental disorder. Identifiers: MedGen C3714756, MeSH D008607, MONDO:0001071, HP:0001249.

Submissions (8):

PreventionGenetics, part of Exact Sciences
Classification: Likely benign for PTCH1-related condition. Last evaluated: 2026-06-26. Review status: criteria provided, single submitter. Criteria: ACMG Guidelines, 2015. Collection method: clinical testing. Allele origin: germline.
Comment: This variant is classified as likely benign based on ACMG/AMP sequence variant interpretation guidelines (Richards et al. 2015 PMID: 25741868, with internal and published modifications).

Labcorp Genetics (formerly Invitae), Labcorp
Classification: Benign for Gorlin syndrome. Last evaluated: 2026-01-25. Review status: criteria provided, single submitter. Criteria: Invitae Variant Classification Sherloc (09022015). Collection method: clinical testing. Allele origin: germline.

GeneDx
Classification: Uncertain significance. Last evaluated: 2025-07-03. Review status: criteria provided, single submitter. Criteria: GeneDx Variant Classification Process June 2021. Collection method: clinical testing. Allele origin: germline.
Comment: In-frame deletion of 7 amino acids in a non-repeat region; Reported in a child with overgrowth and autism spectrum disorder (PMID: 31639285); In silico analysis supports a deleterious effect on protein structure/function; This variant is associated with the following publications: (PMID: 31639285)

Quest Diagnostics Nichols Institute San Juan Capistrano
Classification: Likely benign. Last evaluated: 2025-03-19. Review status: criteria provided, single submitter. Criteria: Quest Diagnostics criteria. Collection method: clinical testing. Allele origin: unknown.

Fulgent Genetics
Classification: Uncertain significance for Basal cell nevus syndrome 1; Basal cell carcinoma, susceptibility to, 1; Holoprosencephaly 7. Last evaluated: 2024-01-05. Review status: criteria provided, single submitter. Criteria: ACMG Guidelines, 2015. Collection method: clinical testing. Allele origin: germline.

Sema4
Classification: Likely benign for Hereditary cancer-predisposing syndrome. Last evaluated: 2021-09-23. Review status: criteria provided, single submitter. Criteria: Sema4 Curation Guidelines. Collection method: curation. Allele origin: germline.

Ambry Genetics
Classification: Benign for Hereditary cancer-predisposing syndrome. Last evaluated: 2021-03-17. Review status: criteria provided, single submitter. Criteria: Ambry Variant Classification Scheme 2023. Collection method: clinical testing. Allele origin: germline.

Cambridge Genomics Laboratory, East Genomic Laboratory Hub, NHS Genomic Medicine Service
Classification: Benign for Intellectual disability. Last evaluated: 2019-12-06. Review status: criteria provided, single submitter. Criteria: ACGS Best Practice Guidelines for Variant Classification in Rare Disease 2020. Collection method: clinical testing. Allele origin: germline. Affected: yes. Observed: 1 variant allele.

Literature cited by the submitters: PubMed 31639285 (cited by Quest Diagnostics Nichols Institute San Juan Capistrano and Ambry Genetics).